The following is an entry in ClinVar:

NM_018975.4(TERF2IP):c.130A>G (p.Thr44Ala)

Gene: TERF2IP (TERF2 interacting protein; plus strand). Cytogenetic location: 16q23.1.
Variant type: single nucleotide variant.
Coding change: c.130A>G on transcript NM_018975.4 (MANE Select); coding-DNA position 130, A replaced by G.
Protein change: p.Thr44Ala; replaces threonine 44 with alanine.
Molecular consequence: missense variant. On other transcripts: non-coding transcript variant (1).
Genome position (GRCh38, 1-based): chr16:75,648,012, A>G. VCF-style: chr16-75648012-A-G. GRCh37 (hg19) VCF-style: chr16-75681910-A-G.
Other names: short protein forms T44A.
Identifiers: ClinVar variation 2448530 (VCV002448530.2), dbSNP rs2151815675, ClinGen allele CA396817286.

ClinVar aggregate classification (germline): Uncertain significance (1 of 4 stars; one submission).

Submission:

Ambry Genetics
Classification: Uncertain significance. Last evaluated: 2022-12-21. Review status: criteria provided, single submitter. Criteria: Ambry Variant Classification Scheme 2023. Collection method: clinical testing. Allele origin: germline.
Comment: The p.T44A variant (also known as c.130A>G), located in coding exon 1 of the TERF2IP gene, results from an A to G substitution at nucleotide position 130. The threonine at codon 44 is replaced by alanine, an amino acid with similar properties. This amino acid position is conserved. In addition, this alteration is predicted to be tolerated by in silico analysis. Since supporting evidence is limited at this time, the clinical significance of this alteration remains unclear.